The following is an entry in ClinVar:

NM_002317.7(LOX):c.106C>A (p.Pro36Thr)

Genes: LOX (lysyl oxidase; minus strand), SRFBP1 (serum response factor binding protein 1; plus strand). Cytogenetic location: 5q23.1.
Variant type: single nucleotide variant.
Coding change: c.106C>A on transcript NM_002317.7 (MANE Select); coding-DNA position 106, C replaced by A.
Protein change: p.Pro36Thr; replaces proline 36 with threonine.
Molecular consequence: missense variant.
Genome position (GRCh38, 1-based): chr5:122,077,880, G>T on the plus strand (C>A on the coding strand, the complement: LOX is on the minus strand). VCF-style: chr5-122077880-G-T. GRCh37 (hg19) VCF-style: chr5-121413575-G-T.
Other names: short protein forms P36T.
Identifiers: ClinVar variation 2981420 (VCV002981420.3), dbSNP rs752726099, ClinGen allele CA360878374.

ClinVar aggregate classification (germline): Uncertain significance (1 of 4 stars; one submission).

gnomAD v4.1: 17 of 1,535,996 alleles (0.0011%); highest among the groups gnomAD compares: Non-Finnish European, 0.0015%; no homozygotes.

Submission:

Labcorp Genetics (formerly Invitae), Labcorp
Classification: Uncertain significance. Last evaluated: 2024-02-11. Review status: criteria provided, single submitter. Criteria: Invitae Variant Classification Sherloc (09022015). Collection method: clinical testing. Allele origin: germline.
Comment: This sequence change replaces proline, which is neutral and non-polar, with threonine, which is neutral and polar, at codon 36 of the LOX protein (p.Pro36Thr). The frequency data for this variant in the population databases is considered unreliable, as metrics indicate poor data quality at this position in the gnomAD database. This variant has not been reported in the literature in individuals affected with LOX-related conditions. Advanced modeling of protein sequence and biophysical properties (such as structural, functional, and spatial information, amino acid conservation, physicochemical variation, residue mobility, and thermodynamic stability) performed at Invitae indicates that this missense variant is not expected to disrupt LOX protein function with a negative predictive value of 80%. In summary, the available evidence is currently insufficient to determine the role of this variant in disease. Therefore, it has been classified as a Variant of Uncertain Significance.